The following is an entry in ClinVar:

NM_014845.6(FIG4):c.2459G>T (p.Arg820Ile)

Gene: FIG4 (FIG4 phosphoinositide 5-phosphatase; plus strand). Cytogenetic location: 6q21.
Variant type: single nucleotide variant.
Coding change: c.2459G>T on transcript NM_014845.6 (MANE Select); coding-DNA position 2459, G replaced by T.
Protein change: p.Arg820Ile; replaces arginine 820 with isoleucine.
Molecular consequence: missense variant.
Genome position (GRCh38, 1-based): chr6:109,792,664, G>T. VCF-style: chr6-109792664-G-T. GRCh37 (hg19) VCF-style: chr6-110113867-G-T.
Other names: short protein forms R820I.
Identifiers: ClinVar variation 2131536 (VCV002131536.4), dbSNP rs2486234389, ClinGen allele CA365217987.

ClinVar aggregate classification (germline): Uncertain significance (1 of 4 stars; one submission).

Conditions:
Charcot-Marie-Tooth disease type 4. Also called: Charcot-Marie-Tooth disease, type IV; Charcot-Marie-Tooth, Type 4. Identifiers: Orphanet 64749, MedGen C4082197, MONDO:0018995.

Submission:

Labcorp Genetics (formerly Invitae), Labcorp
Classification: Uncertain significance for Charcot-Marie-Tooth disease type 4. Last evaluated: 2022-04-28. Review status: criteria provided, single submitter. Criteria: Invitae Variant Classification Sherloc (09022015). Collection method: clinical testing. Allele origin: germline.
Comment: In summary, the available evidence is currently insufficient to determine the role of this variant in disease. Therefore, it has been classified as a Variant of Uncertain Significance. Variants that disrupt the consensus splice site are a relatively common cause of aberrant splicing (PMID: 17576681, 9536098). Algorithms developed to predict the effect of missense changes on protein structure and function are either unavailable or do not agree on the potential impact of this missense change (SIFT: "Deleterious"; PolyPhen-2: "Probably Damaging"; Align-GVGD: "Class C0"). This variant has not been reported in the literature in individuals affected with FIG4-related conditions. This variant is not present in population databases (gnomAD no frequency). This sequence change replaces arginine, which is basic and polar, with isoleucine, which is neutral and non-polar, at codon 820 of the FIG4 protein (p.Arg820Ile). This variant also falls at the last nucleotide of exon 21, which is part of the consensus splice site for this exon.

Literature cited by the submitters: PubMed 17576681; PubMed 9536098.